The following is an entry in ClinVar:

NM_000256.3(MYBPC3):c.3752dup (p.Tyr1251Ter)

Gene: MYBPC3 (myosin binding protein C3; minus strand). Cytogenetic location: 11p11.2.
Variant type: Duplication.
Coding change: c.3752dup on transcript NM_000256.3 (MANE Select); coding-DNA position 3752, one base duplicated (A; older notation c.3752dupA).
Protein change: p.Tyr1251Ter; replaces tyrosine 1251 with a stop codon.
Molecular consequence: nonsense.
Genome position (GRCh38, 1-based): chr11:47,332,134, T duplicated on the plus strand (A on the coding strand, the reverse complement: MYBPC3 is on the minus strand). VCF-style (leftmost placement, unchanged base first): chr11-47332133-A-AT. GRCh37 (hg19) VCF-style: chr11-47353684-A-AT.
Other names: short protein forms Y1251*.
Identifiers: ClinVar variation 2743278 (VCV002743278.3), dbSNP rs2495736211, ClinGen allele CA2697548534.

ClinVar aggregate classification (germline): Pathogenic (1 of 4 stars; one submission).

Conditions:
Hypertrophic cardiomyopathy. Also called: HYPERTROPHIC MYOCARDIOPATHY. Identifiers: Orphanet 217569, MedGen C0007194, MeSH D002312, MONDO:0005045, HP:0001639.

Submission:

Labcorp Genetics (formerly Invitae), Labcorp
Classification: Pathogenic for Hypertrophic cardiomyopathy. Last evaluated: 2024-11-05. Review status: criteria provided, single submitter. Criteria: Invitae Variant Classification Sherloc (09022015). Collection method: clinical testing. Allele origin: germline.
Comment: This sequence change creates a premature translational stop signal (p.Tyr1251*) in the MYBPC3 gene. It is expected to result in an absent or disrupted protein product. Loss-of-function variants in MYBPC3 are known to be pathogenic (PMID: 19574547). This variant is not present in population databases (gnomAD no frequency). This premature translational stop signal has been observed in individual(s) with hypertrophic cardiomyopathy (PMID: 20624503, 27532257). ClinVar contains an entry for this variant (Variation ID: 2743278). Algorithms developed to predict the effect of sequence changes on RNA splicing suggest that this variant may disrupt the consensus splice site. For these reasons, this variant has been classified as Pathogenic.

Literature cited by the submitters: PubMed 19574547; PubMed 20624503; PubMed 27532257.